The following is an entry in ClinVar:

NM_001042492.3(NF1):c.3946C>T (p.His1316Tyr)

Gene: NF1 (neurofibromin 1; plus strand). Cytogenetic location: 17q11.2.
Variant type: single nucleotide variant.
Coding change: c.3946C>T on transcript NM_001042492.3 (MANE Select); coding-DNA position 3946, C replaced by T.
Protein change: p.His1316Tyr; replaces histidine 1316 with tyrosine.
Molecular consequence: missense variant.
Genome position (GRCh38, 1-based): chr17:31,235,993, C>T. VCF-style: chr17-31235993-C-T. GRCh37 (hg19) VCF-style: chr17-29563011-C-T.
Other names: c.3946C>T, p.His1316Tyr (NM_000267.4); short protein forms H1316Y.
Identifiers: ClinVar variation 1038122 (VCV001038122.5), dbSNP rs1218464470, ClinGen allele CA398993247.
Genomic context (GRCh38, chr17:31,235,993, plus strand): 5'-TATCTACAAAAACTCCTGGATCCTTTATTACGAATTGTGATCACATCCTCTGATTGGCAA[C>T]ATGTTAGCTTTGAAGTGGATCCTACCAGGTTTGTCATCTTTTCACATAGAACCGCTGTTT-3'
Protein context (NP_001035957.1, residues 1306-1326): RIVITSSDWQ[His1316Tyr]VSFEVDPTRL

ClinVar aggregate classification (germline): Uncertain significance (1 of 4 stars; one submission).

Conditions:
Neurofibromatosis, type 1 (NF1). Also called: NEUROFIBROMATOSIS, TYPE I, SOMATIC; VON RECKLINGHAUSEN DISEASE; Peripheral type neurofibromatosis; Neurofibromatosis, type I. Identifiers: Orphanet 636, MedGen C0027831, MONDO:0018975, OMIM 162200. Disease mechanism: loss of function.

Allele frequency attached by ClinVar (database versions not stated): gnomAD exomes below 0.00001.
gnomAD v4.1: 1 of 1,613,736 alleles (0.000062%); highest among the groups gnomAD compares: Non-Finnish European, 0.000085%; no homozygotes.

Submission:

Labcorp Genetics (formerly Invitae), Labcorp
Classification: Uncertain significance for Neurofibromatosis, type 1. Last evaluated: 2021-10-05. Review status: criteria provided, single submitter. Criteria: Invitae Variant Classification Sherloc (09022015). Collection method: clinical testing. Allele origin: germline.
Comment: In summary, the available evidence is currently insufficient to determine the role of this variant in disease. Therefore, it has been classified as a Variant of Uncertain Significance. Algorithms developed to predict the effect of missense changes on protein structure and function are either unavailable or do not agree on the potential impact of this missense change (SIFT: "Deleterious"; PolyPhen-2: "Benign"; Align-GVGD: "Class C0"). This variant has not been reported in the literature in individuals affected with NF1-related conditions. This variant is not present in population databases (ExAC no frequency). This sequence change replaces histidine with tyrosine at codon 1316 of the NF1 protein (p.His1316Tyr). The histidine residue is moderately conserved and there is a moderate physicochemical difference between histidine and tyrosine.